The following is an entry in ClinVar:

NM_001079802.2(FKTN):c.1272dup (p.Lys425Ter)

Gene: FKTN (fukutin; plus strand). Cytogenetic location: 9q31.2.
Variant type: Duplication.
Coding change: c.1272dup on transcript NM_001079802.2 (MANE Select); coding-DNA position 1272, one base duplicated (T; older notation c.1272dupT).
Protein change: p.Lys425Ter; replaces lysine 425 with a stop codon.
Molecular consequence: nonsense. On other transcripts: 3 prime UTR variant (1), non-coding transcript variant (2), splice donor variant (1).
Genome position (GRCh38, 1-based): chr9:105,635,150, T duplicated. VCF-style (leftmost placement, unchanged base first): chr9-105635149-G-GT. GRCh37 (hg19) VCF-style: chr9-108397430-G-GT.
Other names: c.1272dup, p.Lys425Ter (NM_001351496.2, NM_006731.2); c.1203dup, p.Lys402Ter (NM_001351497.2); c.*64dup (NM_001351498.2); c.876dup, p.Lys293Ter (NM_001351499.2, NM_001351500.2, NM_001351501.2 and 1 more transcripts); c.1270+2dup (NM_001198963.2); short protein forms K425*, K402*, K293*.
Identifiers: ClinVar variation 2140911 (VCV002140911.5), dbSNP rs1485613887, ClinGen allele CA590046777.

ClinVar aggregate classification (germline): Pathogenic/Likely pathogenic. Review status: criteria provided, multiple submitters, no conflicts (2 of 4 stars). 2 submissions from 2 submitters: Pathogenic (1); Likely pathogenic (1). Last evaluated 2025-04-24.

Conditions:
Walker-Warburg congenital muscular dystrophy. Also called: Muscular dystrophy-dystroglycanopathy, type A; Walker-Warburg syndrome. Identifiers: Orphanet 899, MedGen C0265221, MONDO:0000171.
Dilated cardiomyopathy 1X (CMD1X). Also called: CARDIOMYOPATHY, DILATED, WITH MILD OR NO PROXIMAL MUSCLE WEAKNESS; FKTN-Related Dilated Cardiomyopathy. Identifiers: Orphanet 154, MedGen C1969024, MONDO:0012704, OMIM 611615.

Allele frequency attached by ClinVar (database versions not stated): TOPMed 0.00001; gnomAD exomes 0.00002.

Submissions (2):

Labcorp Genetics (formerly Invitae), Labcorp
Classification: Pathogenic for Walker-Warburg congenital muscular dystrophy. Last evaluated: 2025-04-24. Review status: criteria provided, single submitter. Criteria: Invitae Variant Classification Sherloc (09022015). Collection method: clinical testing. Allele origin: germline.
Comment: This sequence change creates a premature translational stop signal (p.Lys425*) in the FKTN gene. While this is not anticipated to result in nonsense mediated decay, it is expected to disrupt the last 37 amino acid(s) of the FKTN protein. This variant is present in population databases (no rsID available, gnomAD 0.003%). This premature translational stop signal has been observed in individual(s) with clinical features of Muscular dystrophy-dystroglycanopathy (internal data). In at least one individual the data is consistent with being in trans (on the opposite chromosome) from a pathogenic variant. ClinVar contains an entry for this variant (Variation ID: 2140911). This variant disrupts a region of the FKTN protein in which other variant(s) (p.Asn442Ser) have been observed in individuals with FKTN-related conditions (PMID: 28785732). This suggests that this is a clinically significant region of the protein, and that variants that disrupt it are likely to be disease-causing. For these reasons, this variant has been classified as Pathogenic.

Baylor Genetics
Classification: Likely pathogenic for Dilated cardiomyopathy 1X. Last evaluated: 2022-09-08. Review status: criteria provided, single submitter. Criteria: ACMG Guidelines, 2015. Collection method: clinical testing. Allele origin: unknown.

Literature cited by the submitters: PubMed 28785732 (cited by Labcorp Genetics (formerly Invitae), Labcorp).